The following is an entry in ClinVar:

ClinVar aggregate classification (germline): Uncertain significance (1 of 4 stars; one submission).

Submission:

GeneDx
Classification: Uncertain significance. Last evaluated: 2026-04-10. Review status: criteria provided, single submitter. Criteria: GeneDx Variant Classification Process June 2021. Collection method: clinical testing. Allele origin: germline.
Comment: Not observed at significant frequency in large population cohorts (gnomAD); In silico analysis suggests that this missense variant does not alter protein structure/function; Has not been previously published as pathogenic or benign to our knowledge

NM_001039591.3(USP9X):c.6040A>G (p.Lys2014Glu)

Gene: USP9X (ubiquitin specific peptidase 9 X-linked; plus strand). Cytogenetic location: Xp11.4.
Variant type: single nucleotide variant.
Coding change: c.6040A>G on transcript NM_001039591.3 (MANE Select); coding-DNA position 6040, A replaced by G.
Protein change: p.Lys2014Glu; replaces lysine 2014 with glutamic acid.
Molecular consequence: missense variant.
Genome position (GRCh38, 1-based): chrX:41,216,607, A>G. VCF-style: chrX-41216607-A-G. GRCh37 (hg19) VCF-style: chrX-41075860-A-G.
Other names: c.6055A>G, p.Lys2019Glu (NM_001410748.1, NM_001410749.1); c.6040A>G, p.Lys2014Glu (NM_001039590.3); short protein forms K2014E, K2019E.
Identifiers: ClinVar variation 3898973 (VCV003898973.2).